The following is an entry in ClinVar:

NM_000719.7(CACNA1C):c.1113+3A>G

Gene: CACNA1C (calcium voltage-gated channel subunit alpha1 C; plus strand). Cytogenetic location: 12p13.33.
Variant type: single nucleotide variant.
Coding change: c.1113+3A>G on transcript NM_000719.7 (MANE Select); 3 bases into the intron after coding-DNA position 1113, A replaced by G.
Molecular consequence: intron variant.
Genome position (GRCh38, 1-based): chr12:2,493,389, A>G. VCF-style: chr12-2493389-A-G. GRCh37 (hg19) VCF-style: chr12-2602555-A-G.
Other names: c.1113+3A>G (NM_001167624.3, NM_001167623.2, NM_001167625.2 and 18 more transcripts); c.1104+3A>G (NM_001129844.2).
Identifiers: ClinVar variation 1795513 (VCV001795513.3), dbSNP rs2504164267, ClinGen allele CA2575044923.

ClinVar aggregate classification (germline): Uncertain significance (1 of 4 stars; one submission).

Conditions:
Cardiovascular phenotype. Identifiers: MedGen CN230736.

Allele frequency attached by ClinVar (database versions not stated): gnomAD exomes below 0.00001.
gnomAD v4.1: 2 of 1,606,478 alleles (0.00012%); highest among the groups gnomAD compares: Non-Finnish European, 0.00017%; no homozygotes.

Submission:

Ambry Genetics
Classification: Uncertain significance for Cardiovascular phenotype. Last evaluated: 2026-08-18. Review status: criteria provided, single submitter. Criteria: Ambry Variant Classification Scheme 2023. Collection method: clinical testing. Allele origin: germline.
Comment: The c.1113+3A>G intronic variant results from an A to G substitution 3 nucleotides after coding exon 7 in the CACNA1C gene. This nucleotide position is not well conserved in available vertebrate species. In silico splice site analysis predicts that this alteration will not have any significant effect on splicing. Based on the available evidence, the clinical significance of this variant remains unclear.